The following is an entry in ClinVar:

NM_001365951.3(KIF1B):c.2707C>A (p.Arg903Ser)

Genes: KIF1B (kinesin family member 1B; plus strand), LOC126805614 (BRD4-independent group 4 enhancer GRCh37_chr1:10385546-10386745; plus strand). Cytogenetic location: 1p36.22.
Variant type: single nucleotide variant.
Coding change: c.2707C>A on transcript NM_001365951.3 (MANE Select); coding-DNA position 2707, C replaced by A.
Protein change: p.Arg903Ser; replaces arginine 903 with serine.
Molecular consequence: missense variant.
Genome position (GRCh38, 1-based): chr1:10,326,142, C>A. VCF-style: chr1-10326142-C-A. GRCh37 (hg19) VCF-style: chr1-10386200-C-A.
Other names: c.2707C>A, p.Arg903Ser (NM_001365952.1); c.2569C>A, p.Arg857Ser (NM_015074.3); short protein forms R857S, R903S.
Identifiers: ClinVar variation 3729638 (VCV003729638.2).
Genomic context (GRCh38, chr1:10,326,142, plus strand): 5'-TGTTAATTGGCGTCTTACCTGGTGTCTAGCTCCCCCATTTTCCACGGCTGTGTGAACGAG[C>A]GCCTTGCCGACCGCACACCCTCCCCCACTTTTTCCACGGCCGATTCCGACATCACTGAGC-3'
Protein context (NP_001352880.1, residues 893-913): SPIFHGCVNE[Arg903Ser]LADRTPSPTF

ClinVar aggregate classification (germline): Uncertain significance (1 of 4 stars; one submission).

Conditions:
Charcot-Marie-Tooth disease type 2. Also called: Charcot-Marie-Tooth type 2. Identifiers: Orphanet 64746, MedGen C0270914, MONDO:0018993.

Submission:

Labcorp Genetics (formerly Invitae), Labcorp
Classification: Uncertain significance for Charcot-Marie-Tooth disease type 2. Last evaluated: 2025-05-05. Review status: criteria provided, single submitter. Criteria: Invitae Variant Classification Sherloc (09022015). Collection method: clinical testing. Allele origin: germline.
Comment: This sequence change replaces arginine, which is basic and polar, with serine, which is neutral and polar, at codon 857 of the KIF1B protein (p.Arg857Ser). This variant is not present in population databases (gnomAD no frequency). This variant has not been reported in the literature in individuals affected with KIF1B-related conditions. ClinVar contains an entry for this variant (Variation ID: 3729638). An algorithm developed to predict the effect of missense changes on protein structure and function (PolyPhen-2) suggests that this variant is likely to be tolerated. In summary, the available evidence is currently insufficient to determine the role of this variant in disease. Therefore, it has been classified as a Variant of Uncertain Significance.